The following is an entry in ClinVar:

ClinVar aggregate classification (germline): Uncertain significance (1 of 4 stars; one submission).

Conditions:
Dilated cardiomyopathy 1DD (CMD1DD). Identifiers: Orphanet 154, MedGen C2750995, MONDO:0013168, OMIM 613172.

Submission:

Labcorp Genetics (formerly Invitae), Labcorp
Classification: Uncertain significance for Dilated cardiomyopathy 1DD. Last evaluated: 2024-10-23. Review status: criteria provided, single submitter. Criteria: Invitae Variant Classification Sherloc (09022015). Collection method: clinical testing. Allele origin: germline.
Comment: This sequence change replaces glycine, which is neutral and non-polar, with cysteine, which is neutral and slightly polar, at codon 57 of the RBM20 protein (p.Gly57Cys). This variant is not present in population databases (gnomAD no frequency). This variant has not been reported in the literature in individuals affected with RBM20-related conditions. Invitae Evidence Modeling of protein sequence and biophysical properties (such as structural, functional, and spatial information, amino acid conservation, physicochemical variation, residue mobility, and thermodynamic stability) indicates that this missense variant is not expected to disrupt RBM20 protein function with a negative predictive value of 95%. In summary, the available evidence is currently insufficient to determine the role of this variant in disease. Therefore, it has been classified as a Variant of Uncertain Significance.

NM_001134363.3(RBM20):c.169G>T (p.Gly57Cys)

Gene: RBM20 (RNA binding motif protein 20; plus strand). Cytogenetic location: 10q25.2.
Variant type: single nucleotide variant.
Coding change: c.169G>T on transcript NM_001134363.3 (MANE Select); coding-DNA position 169, G replaced by T.
Protein change: p.Gly57Cys; replaces glycine 57 with cysteine.
Molecular consequence: missense variant.
Genome position (GRCh38, 1-based): chr10:110,644,623, G>T. VCF-style: chr10-110644623-G-T. GRCh37 (hg19) VCF-style: chr10-112404381-G-T.
Other names: short protein forms G57C.
Identifiers: ClinVar variation 3620003 (VCV003620003.2).